The following is an entry in ClinVar:

ClinVar aggregate classification (germline): Pathogenic (1 of 4 stars; one submission).

Conditions:
KBG syndrome (KBGS). Also called: ANKRD11-Related KBG Syndrome. Identifiers: Orphanet 2332, MedGen C0220687, MONDO:0007846, OMIM 148050.

Submission:

Umrani?ye Training and Research Hospital
Classification: Pathogenic for KBG syndrome. Last evaluated: 2026-07-05. Review status: criteria provided, single submitter. Criteria: ACMG/ClinGen CNV Guidelines, 2019. Collection method: clinical testing. Allele origin: maternal, germline. Inheritance: Autosomal dominant inheritance. Affected: yes. Observed: 2 variant alleles.
Comment: Whole-gene deletion of ANKRD11 (all exons) plus flanking sequence; loss of function (PVS1). GRCh38 liftover of GRCh37 array call chr16:88,832,586-89,579,407.

Literature cited by the submitters: PubMed 42808190.

GRCh38/hg38 16q24.3(chr16:88766178-89512999)x1

Genes: PABPN1L (PABPN1 like, cytoplasmic; minus strand), PIEZO1 (piezo type mechanosensitive ion channel component 1 (Er blood group); minus strand), ZNF778-DT (ZNF778 divergent transcript; minus strand), TRAPPC2L (trafficking protein particle complex subunit 2L; plus strand), ZNF778 (zinc finger protein 778; plus strand) and 99 more. Cytogenetic location: 16q24.3.
Variant type: copy number loss.
Change: copy number 1 (one copy instead of two) of chr16:88,766,178-89,512,999 (746.8 kb, GRCh38 coordinates, 1-based), cytogenetic band 16q24.3.
Identifiers: ClinVar variation 4886757 (VCV004886757.1).